The following is an entry in ClinVar:

ClinVar aggregate classification (germline): Benign/Likely benign. Review status: criteria provided, multiple submitters, no conflicts (2 of 4 stars). 5 submissions from 5 submitters: Benign (4); Likely benign (1). Last evaluated 2026-01-26.

Conditions:
Infantile-onset X-linked spinal muscular atrophy. Also called: SPINAL MUSCULAR ATROPHY, X-LINKED LETHAL INFANTILE; AMC, DISTAL, X-LINKED; ARTHROGRYPOSIS, X-LINKED, TYPE I; Spinal Muscular Atrophy, X-Linked Infantile; Spinal muscular atrophy, X-linked 2. Identifiers: Orphanet 1145, MedGen C1844934, MONDO:0010532, OMIM 301830.

Allele frequency attached by ClinVar (database versions not stated): gnomAD exomes 0.00024 and 0.00062; ExAC 0.00089; 1000 Genomes Project 30x 0.00187; 1000 Genomes Project 0.00212; gnomAD 0.00231 and 0.00253; TOPMed 0.00244; ESP Exome Variant Server 0.00246.
gnomAD v4.1: 519 of 1,209,989 alleles (0.043%); highest among the groups gnomAD compares: African/African-American, 0.85%; 3 homozygotes.

Submissions (5):

Labcorp Genetics (formerly Invitae), Labcorp
Classification: Benign for Infantile-onset X-linked spinal muscular atrophy. Last evaluated: 2026-01-26. Review status: criteria provided, single submitter. Criteria: Invitae Variant Classification Sherloc (09022015). Collection method: clinical testing. Allele origin: germline.

Blueprint Genetics
Classification: Likely benign. Last evaluated: 2024-09-23. Review status: criteria provided, single submitter. Criteria: ACMG Guidelines, 2015. Collection method: clinical testing. Allele origin: germline.

GeneDx
Classification: Benign. Last evaluated: 2018-02-05. Review status: criteria provided, single submitter. Criteria: GeneDx Variant Classification (06012015). Collection method: clinical testing. Allele origin: germline. Affected: yes.
Comment: This variant is considered likely benign or benign based on one or more of the following criteria: it is a conservative change, it occurs at a poorly conserved position in the protein, it is predicted to be benign by multiple in silico algorithms, and/or has population frequency not consistent with disease.

Illumina Laboratory Services, Illumina
Classification: Benign for Infantile-onset X-linked spinal muscular atrophy. Last evaluated: 2018-01-13. Review status: criteria provided, single submitter. Criteria: ICSL Variant Classification Criteria 13 December 2019. Collection method: clinical testing. Allele origin: germline.
Comment: This variant was observed in the ICSL laboratory as part of a predisposition screen in an ostensibly healthy population. It had not been previously curated by ICSL or reported in the Human Gene Mutation Database (HGMD: prior to June 1st, 2018), and was therefore a candidate for classification through an automated scoring system. Utilizing variant allele frequency, disease prevalence and penetrance estimates, and inheritance mode, an automated score was calculated to assess if this variant is too frequent to cause the disease. Based on the score and internal cut-off values, a variant classified as benign is not then subjected to further curation. The score for this variant resulted in a classification of benign for this disease.

Breakthrough Genomics
Classification: Benign. Review status: criteria provided, single submitter. Criteria: ACMG Guidelines, 2015. Collection method: not provided. Allele origin: germline. Inheritance: Other. Affected: yes.

NM_003334.4(UBA1):c.2351G>A (p.Arg784Gln)

Gene: UBA1 (ubiquitin like modifier activating enzyme 1; plus strand). Cytogenetic location: Xp11.3.
Variant type: single nucleotide variant.
Coding change: c.2351G>A on transcript NM_003334.4 (MANE Select); coding-DNA position 2351, G replaced by A.
Protein change: p.Arg784Gln; replaces arginine 784 with glutamine.
Molecular consequence: missense variant.
Genome position (GRCh38, 1-based): chrX:47,211,112, G>A. VCF-style: chrX-47211112-G-A. GRCh37 (hg19) VCF-style: chrX-47070511-G-A.
Other names: c.2351G>A, p.Arg784Gln (NM_153280.3); short protein forms R784Q.
Identifiers: ClinVar variation 513474 (VCV000513474.16), dbSNP rs148382699, ClinGen allele CA10396109.